The following is an entry in ClinVar:

NM_000350.3(ABCA4):c.1786G>T (p.Asp596Tyr)

Gene: ABCA4 (ATP binding cassette subfamily A member 4; minus strand). Cytogenetic location: 1p22.1.
Variant type: single nucleotide variant.
Coding change: c.1786G>T on transcript NM_000350.3 (MANE Select); coding-DNA position 1786, G replaced by T.
Protein change: p.Asp596Tyr; replaces aspartic acid 596 with tyrosine.
Molecular consequence: missense variant.
Genome position (GRCh38, 1-based): chr1:94,062,728, C>A on the plus strand (G>T on the coding strand, the complement: ABCA4 is on the minus strand). VCF-style: chr1-94062728-C-A. GRCh37 (hg19) VCF-style: chr1-94528284-C-A.
Other names: c.1786G>T, p.Asp596Tyr (NM_001425324.1); short protein forms D596Y.
Identifiers: ClinVar variation 1017404 (VCV001017404.6), dbSNP rs1661166511, ClinGen allele CA341279733.

ClinVar aggregate classification (germline): Uncertain significance (1 of 4 stars; one submission).

Submission:

Labcorp Genetics (formerly Invitae), Labcorp
Classification: Uncertain significance. Last evaluated: 2022-10-17. Review status: criteria provided, single submitter. Criteria: Invitae Variant Classification Sherloc (09022015). Collection method: clinical testing. Allele origin: germline.
Comment: This sequence change replaces aspartic acid, which is acidic and polar, with tyrosine, which is neutral and polar, at codon 596 of the ABCA4 protein (p.Asp596Tyr). This variant is not present in population databases (gnomAD no frequency). This missense change has been observed in individual(s) with clinical features of ABCA4-related conditions (Invitae). ClinVar contains an entry for this variant (Variation ID: 1017404). Advanced modeling of protein sequence and biophysical properties (such as structural, functional, and spatial information, amino acid conservation, physicochemical variation, residue mobility, and thermodynamic stability) performed at Invitae indicates that this missense variant is expected to disrupt ABCA4 protein function. In summary, the available evidence is currently insufficient to determine the role of this variant in disease. Therefore, it has been classified as a Variant of Uncertain Significance.